The following is an entry in ClinVar:

NM_001195263.2(PDZD7):c.313T>G (p.Ser105Ala)

Gene: PDZD7 (PDZ domain containing 7; minus strand). Cytogenetic location: 10q24.31.
Variant type: single nucleotide variant.
Coding change: c.313T>G on transcript NM_001195263.2 (MANE Select); coding-DNA position 313, T replaced by G.
Protein change: p.Ser105Ala; replaces serine 105 with alanine.
Molecular consequence: missense variant.
Genome position (GRCh38, 1-based): chr10:101,023,982, A>C on the plus strand (T>G on the coding strand, the complement: PDZD7 is on the minus strand). VCF-style: chr10-101023982-A-C. GRCh37 (hg19) VCF-style: chr10-102783739-A-C.
Other names: c.313T>G, p.Ser105Ala (NM_001351044.2, NM_024895.5); short protein forms S105A.
Identifiers: ClinVar variation 943424 (VCV000943424.9), dbSNP rs1268326679, ClinGen allele CA378230959.

ClinVar aggregate classification (germline): Uncertain significance (1 of 4 stars; one submission).

Submission:

Labcorp Genetics (formerly Invitae), Labcorp
Classification: Uncertain significance. Last evaluated: 2021-01-14. Review status: criteria provided, single submitter. Criteria: Invitae Variant Classification Sherloc (09022015). Collection method: clinical testing. Allele origin: germline.
Comment: In summary, the available evidence is currently insufficient to determine the role of this variant in disease. Therefore, it has been classified as a Variant of Uncertain Significance. Algorithms developed to predict the effect of missense changes on protein structure and function are either unavailable or do not agree on the potential impact of this missense change (SIFT: "Deleterious"; PolyPhen-2: "Not Available"; Align-GVGD: "Class C65"). This variant has not been reported in the literature in individuals with PDZD7-related conditions. This variant is not present in population databases (ExAC no frequency). This sequence change replaces serine with alanine at codon 105 of the PDZD7 protein (p.Ser105Ala). The serine residue is highly conserved and there is a moderate physicochemical difference between serine and alanine.